The following is an entry in ClinVar:

ClinVar aggregate classification (germline): Uncertain significance (1 of 4 stars; one submission).

Conditions:
Cardiovascular phenotype. Identifiers: MedGen CN230736.

Allele frequency attached by ClinVar (database versions not stated): gnomAD exomes below 0.00001.
gnomAD v4.1: 2 of 1,462,920 alleles (0.00014%); highest among the groups gnomAD compares: South Asian, 0.0013%; no homozygotes.

Submission:

Ambry Genetics
Classification: Uncertain significance for Cardiovascular phenotype. Last evaluated: 2023-02-15. Review status: criteria provided, single submitter. Criteria: Ambry Variant Classification Scheme 2023. Collection method: clinical testing. Allele origin: germline.
Comment: The c.13364-3A>C intronic variant results from an A to C substitution 3 nucleotides upstream from coding exon 47 in the TTN gene. This nucleotide position is highly conserved in available vertebrate species. In silico splice site analysis predicts that this alteration will not have any significant effect on splicing. Since supporting evidence is limited at this time, the clinical significance of this alteration remains unclear.

NM_001267550.2(TTN):c.40559-3A>C

Gene: TTN (titin; minus strand). Cytogenetic location: 2q31.2.
Variant type: single nucleotide variant.
Coding change: c.40559-3A>C on transcript NM_001267550.2 (MANE Select); 3 bases into the intron before coding-DNA position 40559, A replaced by C.
Molecular consequence: intron variant.
Genome position (GRCh38, 1-based): chr2:178,641,318, T>G on the plus strand (A>C on the coding strand, the complement: TTN is on the minus strand). VCF-style: chr2-178641318-T-G. GRCh37 (hg19) VCF-style: chr2-179506045-T-G.
Other names: c.13364-3A>C (NM_003319.4); c.13940-3A>C (NM_133437.4); c.13739-3A>C (NM_133432.3); c.32855-3A>C (NM_133378.4); c.35636-3A>C (NM_001256850.1).
Identifiers: ClinVar variation 2451920 (VCV002451920.2), dbSNP rs2471838052, ClinGen allele CA2580065056.